The following is an entry in ClinVar:

ClinVar aggregate classification (germline): Uncertain significance (1 of 4 stars; one submission).

gnomAD v4.1: 7 of 1,602,826 alleles (0.00044%); highest among the groups gnomAD compares: South Asian, 0.0011%; no homozygotes.

Submission:

Ambry Genetics
Classification: Uncertain significance. Last evaluated: 2024-12-16. Review status: criteria provided, single submitter. Criteria: Ambry Variant Classification Scheme 2023. Collection method: clinical testing. Allele origin: germline.
Comment: The p.Q753R variant (also known as c.2258A>G), located in coding exon 10 of the WNK2 gene, results from an A to G substitution at nucleotide position 2258. The glutamine at codon 753 is replaced by arginine, an amino acid with highly similar properties. This amino acid position is conserved. In addition, this alteration is predicted to be tolerated by in silico analysis. Based on the available evidence, the clinical significance of this variant remains unclear.

NM_006648.4(WNK2):c.2258A>G (p.Gln753Arg)

Gene: WNK2 (WNK lysine deficient protein kinase 2; plus strand). Cytogenetic location: 9q22.31.
Variant type: single nucleotide variant.
Coding change: c.2258A>G on transcript NM_006648.4 (MANE Select); coding-DNA position 2258, A replaced by G.
Protein change: p.Gln753Arg; replaces glutamine 753 with arginine.
Molecular consequence: missense variant.
Genome position (GRCh38, 1-based): chr9:93,257,015, A>G. VCF-style: chr9-93257015-A-G. GRCh37 (hg19) VCF-style: chr9-96019297-A-G.
Other names: c.2258A>G, p.Gln753Arg (NM_001282394.3); short protein forms Q753R.
Identifiers: ClinVar variation 3816521 (VCV003816521.1).
Genomic context (GRCh38, chr9:93,257,015, plus strand): 5'-CGCTGGCCCAGCCGACACCCCTGCCGCAGGTCCTGGCCCCACAGCCCGTGGTCCCCCTCC[A>G]GCCGGTTCCCCCCCACCTGCCACCGTACCTGGCTCCAGCCTCCCAGGTGGGGGCCCCCGC-3'
Protein context (NP_006639.3, residues 743-763): VLAPQPVVPL[Gln753Arg]PVPPHLPPYL